The following is an entry in ClinVar:

NM_001330078.2(NRXN1):c.316G>A (p.Asp106Asn)

Gene: NRXN1 (neurexin 1; minus strand). Cytogenetic location: 2p16.3.
Variant type: single nucleotide variant.
Coding change: c.316G>A on transcript NM_001330078.2 (MANE Select); coding-DNA position 316, G replaced by A.
Protein change: p.Asp106Asn; replaces aspartic acid 106 with asparagine.
Molecular consequence: missense variant.
Genome position (GRCh38, 1-based): chr2:51,027,958, C>T on the plus strand (G>A on the coding strand, the complement: NRXN1 is on the minus strand). VCF-style: chr2-51027958-C-T. GRCh37 (hg19) VCF-style: chr2-51255096-C-T.
Other names: c.316G>A, p.Asp106Asn (NM_001135659.3, NM_001330077.2, NM_001330079.2 and 15 more transcripts); short protein forms D106N.
Identifiers: ClinVar variation 206236 (VCV000206236.13), dbSNP rs200576486, ClinGen allele CA316121.

ClinVar aggregate classification (germline): Uncertain significance. Review status: criteria provided, multiple submitters, no conflicts (2 of 4 stars). 2 submissions from 2 submitters: Uncertain significance (2). Last evaluated 2023-12-14.

Conditions:
Pitt-Hopkins-like syndrome 2 (PTHSL2). Identifiers: Orphanet 221150, Orphanet 600663, MedGen C3280479, MONDO:0013690, OMIM 614325.

Allele frequency attached by ClinVar (database versions not stated): TOPMed 0.00001.
gnomAD v4.1: 17 of 1,602,384 alleles (0.0011%); highest among the groups gnomAD compares: African/African-American, 0.0013%; no homozygotes.

Submissions (2):

Labcorp Genetics (formerly Invitae), Labcorp
Classification: Uncertain significance for Pitt-Hopkins-like syndrome 2. Last evaluated: 2023-12-14. Review status: criteria provided, single submitter. Criteria: Invitae Variant Classification Sherloc (09022015). Collection method: clinical testing. Allele origin: germline.
Comment: This sequence change replaces aspartic acid, which is acidic and polar, with asparagine, which is neutral and polar, at codon 106 of the NRXN1 protein (p.Asp106Asn). This variant is not present in population databases (gnomAD no frequency). This variant has not been reported in the literature in individuals affected with NRXN1-related conditions. ClinVar contains an entry for this variant (Variation ID: 206236). An algorithm developed to predict the effect of missense changes on protein structure and function (PolyPhen-2) suggests that this variant is likely to be disruptive. In summary, the available evidence is currently insufficient to determine the role of this variant in disease. Therefore, it has been classified as a Variant of Uncertain Significance.

Genetic Services Laboratory, University of Chicago
Classification: Uncertain significance. Last evaluated: 2015-12-02. Review status: criteria provided, single submitter. Criteria: ACMG Guidelines, 2015. Collection method: clinical testing. Allele origin: germline. Affected: no.